The following is an entry in ClinVar:

NM_000111.3(SLC26A3):c.375_376del (p.Ser126fs)

Gene: SLC26A3 (solute carrier family 26 member 3; minus strand). Cytogenetic location: 7q22.3.
Variant type: Microsatellite.
Coding change: c.375_376del on transcript NM_000111.3 (MANE Select); coding-DNA positions 375 to 376, 2 bases deleted (AT; older notation c.375_376delAT).
Protein change: p.Ser126fs; shifts the reading frame from serine 126.
Molecular consequence: frameshift variant.
Genome position (GRCh38, 1-based): chr7:107,791,836-107,791,837, AT deleted on the plus strand (AT on the coding strand, the reverse complement: SLC26A3 is on the minus strand); deleting any 2 consecutive bases within chr7:107,791,836-107,791,839 gives the same sequence; the c. name uses the placement nearest the transcript's 3' end. VCF-style (leftmost placement, unchanged base first): chr7-107791835-GAT-G. GRCh37 (hg19) VCF-style: chr7-107432280-GAT-G.
Other names: short protein forms S126fs.
Identifiers: ClinVar variation 5007135 (VCV005007135.2).

ClinVar aggregate classification (germline): Likely pathogenic (1 of 4 stars; one submission).

Conditions:
Congenital secretory diarrhea, chloride type (DIAR1). Also called: CHLORIDE DIARRHEA, CONGENITAL, FINNISH TYPE; DIARRHEA 1, SECRETORY CHLORIDE, CONGENITAL; CHLORIDORRHEA, CONGENITAL. Identifiers: Orphanet 53689, MedGen C0267662, MONDO:0008964, OMIM 214700.

Submission:

Juno Genomics, Hangzhou Juno Genomics, Inc
Classification: Likely pathogenic for Congenital secretory diarrhea, chloride type. Review status: criteria provided, single submitter. Criteria: ACMG Guidelines, 2015. Collection method: clinical testing. Allele origin: germline.
Comment: Null variant in a gene where loss of function (LOF) is a known mechanism of disease.;Absent from controls (or at extremely low frequency if recessive) in Genome Aggregation Database.